The following is an entry in ClinVar:

ClinVar aggregate classification (germline): Uncertain significance (1 of 4 stars; one submission).

Submission:

Labcorp Genetics (formerly Invitae), Labcorp
Classification: Uncertain significance. Last evaluated: 2021-10-20. Review status: criteria provided, single submitter. Criteria: Invitae Variant Classification Sherloc (09022015). Collection method: clinical testing. Allele origin: germline.
Comment: The frequency data for this variant in the population databases is considered unreliable, as metrics indicate insufficient coverage at this position in the ExAC database. In summary, the available evidence is currently insufficient to determine the role of this variant in disease. Therefore, it has been classified as a Variant of Uncertain Significance. Algorithms developed to predict the effect of missense changes on protein structure and function are either unavailable or do not agree on the potential impact of this missense change (SIFT: "Tolerated"; PolyPhen-2: "Not Available"; Align-GVGD: "Class C0"). This variant has not been reported in the literature in individuals affected with HMX1-related conditions. This sequence change replaces serine with arginine at codon 41 of the HMX1 protein (p.Ser41Arg). The serine residue is weakly conserved and there is a moderate physicochemical difference between serine and arginine.

NM_018942.3(HMX1):c.121A>C (p.Ser41Arg)

Gene: HMX1 (H6 family homeobox 1; minus strand). Cytogenetic location: 4p16.1.
Variant type: single nucleotide variant.
Coding change: c.121A>C on transcript NM_018942.3 (MANE Select); coding-DNA position 121, A replaced by C.
Protein change: p.Ser41Arg; replaces serine 41 with arginine.
Molecular consequence: missense variant.
Genome position (GRCh38, 1-based): chr4:8,871,494, T>G on the plus strand (A>C on the coding strand, the complement: HMX1 is on the minus strand). VCF-style: chr4-8871494-T-G. GRCh37 (hg19) VCF-style: chr4-8873220-T-G.
Other names: c.121A>C, p.Ser41Arg (NM_001306142.2); short protein forms S41R.
Identifiers: ClinVar variation 1464150 (VCV001464150.6), dbSNP rs142087432, ClinGen allele CA356279332.